The following is an entry in ClinVar:

ClinVar aggregate classification (germline): Pathogenic. Review status: reviewed by expert panel (3 of 4 stars). 2 submissions from 2 submitters: Pathogenic (1). 1 of the submissions does not count toward it. Last evaluated 2017-12-15.

Conditions:
Breast-ovarian cancer, familial, susceptibility to, 1 (BROVCA1). Also called: OVARIAN CANCER, SUSCEPTIBILITY TO; BRCA1 Hereditary Breast and Ovarian Cancer. Identifiers: Orphanet 145, MedGen C2676676, MONDO:0011450, OMIM 604370. Disease mechanism: loss of function.
Familial cancer of breast. Also called: Hereditary breast cancer; hereditary breast carcinoma; BREAST CANCER, FAMILIAL. Identifiers: Orphanet 227535, MedGen C0346153, MONDO:0016419, OMIM 114480. Disease mechanism: loss of function.

Submissions (2):

Evidence-based Network for the Interpretation of Germline Mutant Alleles (ENIGMA)
Classification: Pathogenic for Breast-ovarian cancer, familial, susceptibility to, 1. Last evaluated: 2017-12-15. Review status: reviewed by expert panel. Criteria: ENIGMA BRCA1/2 Classification Criteria (2017-06-29). Collection method: curation. Allele origin: germline. Study: ENIGMA.
Comment: Variant allele predicted to encode a truncated non-functional protein.

ClinVar Staff, National Center for Biotechnology Information (NCBI)
No classification provided. Condition: Familial cancer of breast. Review status: no classification provided. Collection method: literature only. Allele origin: germline. Affected: yes. Not counted in ClinVar's aggregate classification.

Literature cited by the submitters: PubMed 21318380 (cited by ClinVar Staff, National Center for Biotechnology Information (NCBI)).

NM_007294.4(BRCA1):c.2848dup (p.Ser950fs)

Gene: BRCA1 (BRCA1 DNA repair associated; minus strand). Cytogenetic location: 17q21.31.
Variant type: Duplication.
Coding change: c.2848dup on transcript NM_007294.4 (MANE Select); coding-DNA position 2848, one base duplicated (T; older notation c.2848dupT).
Protein change: p.Ser950fs; shifts the reading frame from serine 950.
Molecular consequence: frameshift variant. On other transcripts: intron variant (137).
Genome position (GRCh38, 1-based): chr17:43,092,683, A duplicated on the plus strand (T on the coding strand, the reverse complement: BRCA1 is on the minus strand). VCF-style (leftmost placement, unchanged base first): chr17-43092682-G-GA. GRCh37 (hg19) VCF-style: chr17-41244699-G-GA.
Other names: c.2848dupT (NM_007294.3); c.2344dup, p.Ser782fs (NM_001407965.1); c.1960dup, p.Ser654fs (NM_001407966.1, NM_001407967.1); c.2707dup, p.Ser903fs (NM_007297.4, NM_001407692.1, NM_001407694.1 and 29 more transcripts); c.2848dup, p.Ser950fs (NM_007300.4, NM_001407581.1, NM_001407582.1 and 30 more transcripts); c.647-1651dup (NM_001408458.1, NM_001408469.1, NM_001408453.1 and 11 more transcripts); c.284-1651dup (NM_001408512.1); c.407-1651dup (NM_001408510.1); and 42 more; short protein forms S903fs, S950fs, S924fs, S822fs, S861fs, S862fs, S879fs, S883fs.
Identifiers: ClinVar variation 54699 (VCV000054699.3), dbSNP rs397509018, ClinGen allele CA327840.